The following is an entry in ClinVar:

ClinVar aggregate classification (germline): Uncertain significance (1 of 4 stars; one submission).

gnomAD v4.1: 2 of 1,613,984 alleles (0.00012%); highest among the groups gnomAD compares: Non-Finnish European, 0.00017%; no homozygotes.

Submission:

CeGaT Center for Human Genetics Tuebingen
Classification: Uncertain significance. Last evaluated: 2024-04-01. Review status: criteria provided, single submitter. Criteria: CeGaT Center For Human Genetics Tuebingen Variant Classification Criteria Version 2. Collection method: clinical testing. Allele origin: germline. Affected: yes. Observed: 1 variant allele.
Comment: ADGRV1: PM2

NM_032119.4(ADGRV1):c.10309T>C (p.Trp3437Arg)

Gene: ADGRV1 (adhesion G protein-coupled receptor V1; plus strand). Cytogenetic location: 5q14.3.
Variant type: single nucleotide variant.
Coding change: c.10309T>C on transcript NM_032119.4 (MANE Select); coding-DNA position 10309, T replaced by C.
Protein change: p.Trp3437Arg; replaces tryptophan 3437 with arginine.
Molecular consequence: missense variant. On other transcripts: non-coding transcript variant (1).
Genome position (GRCh38, 1-based): chr5:90,728,816, T>C. VCF-style: chr5-90728816-T-C. GRCh37 (hg19) VCF-style: chr5-90024633-T-C.
Other names: short protein forms W3437R.
Identifiers: ClinVar variation 1701479 (VCV001701479.31), dbSNP rs2149813290, ClinGen allele CA360404162.